The following is an entry in ClinVar:

NM_015295.3(SMCHD1):c.3316C>G (p.Gln1106Glu)

Gene: SMCHD1 (structural maintenance of chromosomes flexible hinge domain containing 1; plus strand). Cytogenetic location: 18p11.32.
Variant type: single nucleotide variant.
Coding change: c.3316C>G on transcript NM_015295.3 (MANE Select); coding-DNA position 3316, C replaced by G.
Protein change: p.Gln1106Glu; replaces glutamine 1106 with glutamic acid.
Molecular consequence: missense variant.
Genome position (GRCh38, 1-based): chr18:2,738,436, C>G. VCF-style: chr18-2738436-C-G. GRCh37 (hg19) VCF-style: chr18-2738434-C-G.
Other names: short protein forms Q1106E.
Identifiers: ClinVar variation 2436167 (VCV002436167.6), dbSNP rs756532473, ClinGen allele CA8871174.

ClinVar aggregate classification (germline): Uncertain significance. Review status: criteria provided, multiple submitters, no conflicts (2 of 4 stars). 3 submissions from 3 submitters: Uncertain significance (3). Last evaluated 2025-05-29.

Conditions:
Inborn genetic diseases. Identifiers: MedGen C0950123, MeSH D030342.
Facioscapulohumeral muscular dystrophy 2 (FSHD2). Also called: FACIOSCAPULOHUMERAL MUSCULAR DYSTROPHY 2, DIGENIC; FSHD2, DIGENIC; MUSCULAR DYSTROPHY, FACIOSCAPULOHUMERAL, TYPE 1B. Identifiers: Orphanet 269, MedGen C1834671, MONDO:0008031, OMIM 158901.

Allele frequency attached by ClinVar (database versions not stated): ExAC 0.00001; gnomAD 0.00001; gnomAD exomes 0.00001; TOPMed 0.00001.
gnomAD v4.1: 16 of 1,609,736 alleles (0.00099%); highest among the groups gnomAD compares: Non-Finnish European, 0.0013%; no homozygotes.

Submissions (3):

Ambry Genetics
Classification: Uncertain significance for Inborn genetic diseases. Last evaluated: 2025-05-29. Review status: criteria provided, single submitter. Criteria: Ambry Variant Classification Scheme 2023. Collection method: clinical testing. Allele origin: germline.

Labcorp Genetics (formerly Invitae), Labcorp
Classification: Uncertain significance for Facioscapulohumeral muscular dystrophy 2. Last evaluated: 2024-08-07. Review status: criteria provided, single submitter. Criteria: Invitae Variant Classification Sherloc (09022015). Collection method: clinical testing. Allele origin: germline.
Comment: This sequence change replaces glutamine, which is neutral and polar, with glutamic acid, which is acidic and polar, at codon 1106 of the SMCHD1 protein (p.Gln1106Glu). This variant is present in population databases (rs756532473, gnomAD 0.0009%). This variant has not been reported in the literature in individuals affected with SMCHD1-related conditions. ClinVar contains an entry for this variant (Variation ID: 2436167). Advanced modeling of protein sequence and biophysical properties (such as structural, functional, and spatial information, amino acid conservation, physicochemical variation, residue mobility, and thermodynamic stability) performed at Invitae indicates that this missense variant is not expected to disrupt SMCHD1 protein function with a negative predictive value of 80%. In summary, the available evidence is currently insufficient to determine the role of this variant in disease. Therefore, it has been classified as a Variant of Uncertain Significance.

Revvity Omics, Revvity
Classification: Uncertain significance. Last evaluated: 2019-02-26. Review status: criteria provided, single submitter. Criteria: ACMG Guidelines, 2015. Collection method: clinical testing. Allele origin: germline.